The following is an entry in ClinVar:

NM_153717.3(EVC):c.2340C>A (p.Tyr780Ter)

Gene: EVC (EvC ciliary complex subunit 1; plus strand). Cytogenetic location: 4p16.2.
Variant type: single nucleotide variant.
Coding change: c.2340C>A on transcript NM_153717.3 (MANE Select); coding-DNA position 2340, C replaced by A.
Protein change: p.Tyr780Ter; replaces tyrosine 780 with a stop codon.
Molecular consequence: nonsense.
Genome position (GRCh38, 1-based): chr4:5,801,985, C>A. VCF-style: chr4-5801985-C-A. GRCh37 (hg19) VCF-style: chr4-5803712-C-A.
Other names: c.2340C>A, p.Tyr780Ter (NM_001306090.2); short protein forms Y780*.
Identifiers: ClinVar variation 5014113 (VCV005014113.1).
Genomic context (GRCh38, chr4:5,801,985, plus strand): 5'-CCCTGTCCTTCCTTTCTTCCCTCAGAGGACACTGATGGAGGCGGCAGTGGAGAGCGTCTA[C>A]GTGACCAGCGCTGGTGTCAGCCGCCTGGTGCAGGCGTATTACCAGCAAATCGGAAGGATC-3'

ClinVar aggregate classification (germline): Pathogenic (1 of 4 stars; one submission).

Conditions:
Ellis-van Creveld syndrome (EVC). Also called: MESOECTODERMAL DYSPLASIA; Chondroectodermal dysplasia. Identifiers: Orphanet 289, MedGen C0013903, MONDO:0009162, OMIM 225500.

Submission:

Myriad Genetics, Inc.
Classification: Pathogenic for Ellis-van Creveld syndrome. Last evaluated: 2025-02-19. Review status: criteria provided, single submitter. Criteria: Myriad Autosomal Dominant, Autosomal Recessive and X-Linked Classification Criteria (2023). Collection method: clinical testing. Allele origin: unknown.
Comment: NM_153717.2(EVC):c.2340C>A(Y780*) is expected to be pathogenic in the context of EVC-related Ellis-van Creveld syndrome. This variant is predicted to lead to an abnormal or absent protein product due to the creation of a premature termination codon in EVC, a gene where loss-of-function variants are known to be pathogenic. Please note: this variant was assessed in the context of healthy population screening.